The following is an entry in ClinVar:

ClinVar aggregate classification (germline): Uncertain significance (1 of 4 stars; one submission).

Allele frequency attached by ClinVar (database versions not stated): TOPMed below 0.00001.

Submission:

Labcorp Genetics (formerly Invitae), Labcorp
Classification: Uncertain significance. Last evaluated: 2021-11-13. Review status: criteria provided, single submitter. Criteria: Invitae Variant Classification Sherloc (09022015). Collection method: clinical testing. Allele origin: germline.
Comment: This sequence change replaces serine, which is neutral and polar, with proline, which is neutral and non-polar, at codon 890 of the MTTP protein (p.Ser890Pro). This variant is not present in population databases (gnomAD no frequency). This variant has not been reported in the literature in individuals affected with MTTP-related conditions. Algorithms developed to predict the effect of missense changes on protein structure and function are either unavailable or do not agree on the potential impact of this missense change (SIFT: "Tolerated"; PolyPhen-2: "Possibly Damaging"; Align-GVGD: "Class C0"). In summary, the available evidence is currently insufficient to determine the role of this variant in disease. Therefore, it has been classified as a Variant of Uncertain Significance.

NM_001386140.1(MTTP):c.2668T>C (p.Ser890Pro)

Gene: MTTP (microsomal triglyceride transfer protein; plus strand). Cytogenetic location: 4q23.
Variant type: single nucleotide variant.
Coding change: c.2668T>C on transcript NM_001386140.1 (MANE Select); coding-DNA position 2668, T replaced by C.
Protein change: p.Ser890Pro; replaces serine 890 with proline.
Molecular consequence: missense variant.
Genome position (GRCh38, 1-based): chr4:99,622,831, T>C. VCF-style: chr4-99622831-T-C. GRCh37 (hg19) VCF-style: chr4-100543988-T-C.
Other names: c.2668T>C, p.Ser890Pro (NM_000253.4); c.2419T>C, p.Ser807Pro (NM_001300785.2); short protein forms S807P, S890P.
Identifiers: ClinVar variation 1470448 (VCV001470448.3), dbSNP rs1481429045, ClinGen allele CA357520807.